The following is an entry in ClinVar:

ClinVar aggregate classification (germline): Pathogenic (1 of 4 stars; one submission).

Conditions:
Cardiac anomalies - developmental delay - facial dysmorphism syndrome (MRFACD). Also called: MED13L Syndrome; Impaired intellectual development and distinctive facial features with or without cardiac defects. Identifiers: Orphanet 369891, MedGen C5192431, MONDO:0014773, OMIM 616789.

Submission:

Broad Center for Mendelian Genomics, Broad Institute of MIT and Harvard
Classification: Pathogenic for Cardiac anomalies - developmental delay - facial dysmorphism syndrome. Last evaluated: 2023-05-01. Review status: criteria provided, single submitter. Criteria: ACMG/ClinGen CNV Guidelines, 2019. Collection method: research. Allele origin: germline. Inheritance: Autosomal dominant inheritance. Affected: yes.
Comment: via a collaborative study between the Broad Institute's Center for Mendelian Genomics and the NeuroDev Study. These breakpoints have been called by exome sequencing only and therefore may not reflect the true breakpoints. The patient phenotype is nonspecific, but is consistent with cases described in the literature and/or published databases with overlapping variants. This variant deletes exons 3-25/31, which are in-frame, and therefore is more likely to escape nonsense mediated decay (NMD) and result in a truncated protein. However, this variant deletes a majority of the MED13L gene including coding sequence, which is known to be haploinsufficient, and has been assessed by the ClinGen Dosage Sensitivity Working Group. Three reported probands from the literature and the DECIPHER database have in-frame copy number loss variants in MED13L. The variants reported are confirmed de novo. The reported phenotypes are nonspecific. (PMID: 25758992; DECIPHER: 322949). Data from large population studies are insufficient to assess the frequency of this variant. In summary, this variant meets criteria to be classified as pathogenic for autosomal dominant impaired intellectual development and distinctive facial features with or without cardiac defects. The ACMG/ClinGen evidence codes and points used in this curation are as follows: 1: 0 points, 2: 0.90 points, 3: 0 points, 4-5: 0.55 points Total; 1.45 points; Riggs 2020 (PMID: 31690835).

Literature cited by the submitters: PubMed 25758992.

Single allele

Gene: MED13L (mediator complex subunit 13L; minus strand). Cytogenetic location: 12q24.21.
Variant type: Deletion.
Identifiers: ClinVar variation 4819203 (VCV004819203.1).